The following is an entry in ClinVar:

ClinVar aggregate classification (germline): Pathogenic (1 of 4 stars; one submission).

Conditions:
Neurofibromatosis, type 1 (NF1). Also called: Peripheral type neurofibromatosis; Neurofibromatosis, type I; VON RECKLINGHAUSEN DISEASE; NEUROFIBROMATOSIS, TYPE I, SOMATIC. Identifiers: Orphanet 636, MedGen C0027831, MONDO:0018975, OMIM 162200. Disease mechanism: loss of function.

Submission:

Labcorp Genetics (formerly Invitae), Labcorp
Classification: Pathogenic for Neurofibromatosis, type 1. Last evaluated: 2019-04-19. Review status: criteria provided, single submitter. Criteria: Invitae Variant Classification Sherloc (09022015). Collection method: clinical testing. Allele origin: germline.
Comment: This variant has not been reported in the literature in individuals with NF1-related conditions. This sequence change creates a premature translational stop signal (p.Met1260Valfs*3) in the NF1 gene. It is expected to result in an absent or disrupted protein product. This variant is not present in population databases (ExAC no frequency). Loss-of-function variants in NF1 are known to be pathogenic (PMID: 10712197, 23913538). For these reasons, this variant has been classified as Pathogenic.

Literature cited by the submitters: PubMed 10712197; PubMed 23913538.

NM_001042492.3(NF1):c.3777_3778del (p.Met1260fs)

Gene: NF1 (neurofibromin 1; plus strand). Cytogenetic location: 17q11.2.
Variant type: Deletion.
Coding change: c.3777_3778del on transcript NM_001042492.3 (MANE Select); coding-DNA positions 3777 to 3778, 2 bases deleted (CA; older notation c.3777_3778delCA).
Protein change: p.Met1260fs; shifts the reading frame from methionine 1260.
Molecular consequence: frameshift variant.
Genome position (GRCh38, 1-based): chr17:31,235,679-31,235,680, CA deleted; deleting any 2 consecutive bases within chr17:31,235,678-31,235,680 gives the same sequence; the c. name uses the placement nearest the transcript's 3' end. VCF-style (leftmost placement, unchanged base first): chr17-31235677-AAC-A. GRCh37 (hg19) VCF-style: chr17-29562695-AAC-A.
Other names: c.3777_3778delCA, p.Met1260Valfs (NM_000267.4); short protein forms M1260fs.
Identifiers: ClinVar variation 947461 (VCV000947461.6), dbSNP rs2067187364, ClinGen allele CA1139665341.